The following is an entry in ClinVar:

ClinVar aggregate classification (germline): Pathogenic/Likely pathogenic. Review status: criteria provided, multiple submitters, no conflicts (2 of 4 stars). 2 submissions from 2 submitters: Pathogenic (1); Likely pathogenic (1). Last evaluated 2025-12-04.

Submissions (2):

GeneDx
Classification: Pathogenic. Last evaluated: 2025-12-04. Review status: criteria provided, single submitter. Criteria: GeneDx Variant Classification Process June 2021. Collection method: clinical testing. Allele origin: germline.
Comment: Non-canonical splice site variant demonstrated to result in loss of function (PMID: 25183659); No data available from control populations to assess the frequency of this variant; This variant is associated with the following publications: (PMID: 29959198, 24304881, 25183659)

Labcorp Genetics (formerly Invitae), Labcorp
Classification: Likely pathogenic. Last evaluated: 2023-11-28. Review status: criteria provided, single submitter. Criteria: Invitae Variant Classification Sherloc (09022015). Collection method: clinical testing. Allele origin: germline.
Comment: This sequence change falls in intron 10 of the COL4A5 gene. It does not directly change the encoded amino acid sequence of the COL4A5 protein. RNA analysis indicates that this variant induces altered splicing and may result in an absent or disrupted protein product. The frequency data for this variant in the population databases is considered unreliable, as metrics indicate insufficient coverage at this position in the gnomAD database. This variant has been observed in individuals with Alport syndrome (PMID: 24304881, 25183659; Invitae). ClinVar contains an entry for this variant (Variation ID: 2138684). Studies have shown that this variant results in inclusion of a cryptic exon and introduces a premature termination codon (PMID: 25183659). The resulting mRNA is expected to undergo nonsense-mediated decay. In summary, the currently available evidence indicates that the variant is pathogenic, but additional data are needed to prove that conclusively. Therefore, this variant has been classified as Likely Pathogenic.

Literature cited by the submitters: PubMed 24304881 (cited by Labcorp Genetics (formerly Invitae), Labcorp); PubMed 25183659 (cited by Labcorp Genetics (formerly Invitae), Labcorp).

NM_033380.3(COL4A5):c.609+875G>T

Gene: COL4A5 (collagen type IV alpha 5 chain; plus strand). Cytogenetic location: Xq22.3.
Variant type: single nucleotide variant.
Coding change: c.609+875G>T on transcript NM_033380.3 (MANE Select); 875 bases into the intron after coding-DNA position 609, G replaced by T.
Molecular consequence: intron variant.
Genome position (GRCh38, 1-based): chrX:108,576,847, G>T. VCF-style: chrX-108576847-G-T. GRCh37 (hg19) VCF-style: chrX-107820077-G-T.
Other names: c.609+875G>T (NM_000495.5).
Identifiers: ClinVar variation 2138684 (VCV002138684.6), dbSNP rs1569490148, ClinGen allele CA891843912.
Genomic context (GRCh38, chrX:108,576,847, plus strand): 5'-ACTGCTAGAAGAATCTACCAGAAAAGATTGTGATTTCTGCTTTCCTGTAACTTTTTGGGG[G>T]AAGATGAGAAAACCCTTTTGTTTGTTTTAGTTGTAGACTTCATGCAAAGCATGAAACTAT-3'